The following is an entry in ClinVar:

ClinVar aggregate classification (germline): Pathogenic (1 of 4 stars; one submission).

Conditions:
Alstrom syndrome (ALMS). Identifiers: Orphanet 64, MedGen C0268425, MONDO:0008763, OMIM 203800.

Submission:

Labcorp Genetics (formerly Invitae), Labcorp
Classification: Pathogenic for Alstrom syndrome. Last evaluated: 2019-12-20. Review status: criteria provided, single submitter. Criteria: Invitae Variant Classification Sherloc (09022015). Collection method: clinical testing. Allele origin: germline.
Comment: This sequence change creates a premature translational stop signal (p.Leu3065Tyrfs*3) in the ALMS1 gene. It is expected to result in an absent or disrupted protein product. This variant is not present in population databases (ExAC no frequency). This variant has not been reported in the literature in individuals with ALMS1-related conditions. Loss-of-function variants in ALMS1 are known to be pathogenic (PMID: 17594715). For these reasons, this variant has been classified as Pathogenic.

Literature cited by the submitters: PubMed 17594715.

NM_001378454.1(ALMS1):c.9190_9191insA (p.Leu3064fs)

Gene: ALMS1 (ALMS1 centrosome and basal body associated protein; plus strand). Cytogenetic location: 2p13.1.
Variant type: Insertion.
Coding change: c.9190_9191insA on transcript NM_001378454.1 (MANE Select); coding-DNA positions 9190 to 9191, A inserted.
Protein change: p.Leu3064fs; shifts the reading frame from leucine 3064.
Molecular consequence: frameshift variant.
Genome position: GRCh38 VCF-style: chr2-73491149-T-TA. GRCh37 (hg19) VCF-style: chr2-73718276-T-TA.
Other names: c.9193_9194insA, p.Leu3065fs (NM_015120.4); short protein forms L3065fs, L3064fs.
Identifiers: ClinVar variation 835398 (VCV000835398.8), dbSNP rs1672976991, ClinGen allele CA916082189.